The following is an entry in ClinVar:

NM_004168.4(SDHA):c.1725G>A (p.Ala575=)

Gene: SDHA (succinate dehydrogenase complex flavoprotein subunit A; plus strand). Cytogenetic location: 5p15.33.
Variant type: single nucleotide variant.
Coding change: c.1725G>A on transcript NM_004168.4 (MANE Select); coding-DNA position 1725, G replaced by A.
Protein change: p.Ala575=; no amino-acid change (alanine 575 retained).
Molecular consequence: synonymous variant. On other transcripts: intron variant (1).
Genome position (GRCh38, 1-based): chr5:251,399, G>A. VCF-style: chr5-251399-G-A. GRCh37 (hg19) VCF-style: chr5-251514-G-A.
Other names: c.1581G>A, p.Ala527= (NM_001294332.2); c.1552-2994G>A (NM_001330758.2).
Identifiers: ClinVar variation 417229 (VCV000417229.21), dbSNP rs758252610, ClinGen allele CA3173340.

ClinVar aggregate classification (germline): Conflicting classifications of pathogenicity. Review status: criteria provided, conflicting classifications (1 of 4 stars). 7 submissions from 5 submitters: Uncertain significance (2); Benign (2); Likely benign (3). Last evaluated 2026-01-18.

Conditions:
Mitochondrial complex II deficiency, nuclear type 1. Also called: SUCCINATE CoQ REDUCTASE DEFICIENCY. Identifiers: Orphanet 3208, MedGen C5700310, MONDO:0100294, OMIM 252011.
Pheochromocytoma/paraganglioma syndrome 5. Also called: SDHA-Related Hereditary Paraganglioma-Pheochromocytoma Syndrome; Paragangliomas 5. Identifiers: Orphanet 29072, MedGen C3279992, MONDO:0013602, OMIM 614165.
Hereditary cancer-predisposing syndrome. Also called: Neoplastic Syndromes, Hereditary; Hereditary Cancer Syndrome; Tumor predisposition; Hereditary neoplastic syndrome. Identifiers: Orphanet 140162, MedGen C0027672, MeSH D009386, MONDO:0015356.
Hereditary pheochromocytoma and paraganglioma. Also called: Hereditary Paraganglioma-Pheochromocytoma Syndromes; Hereditary pheochromocytoma-paraganglioma; Hereditary paragangliomas and pheochromocytomas. Identifiers: Orphanet 29072, MedGen C4274332, MONDO:0017366.
Leigh syndrome (NULS). Also called: Leigh's syndrome; Leigh Syndrome (mtDNA deletion); Leigh Disease; Subacute necrotizing encephalopathy; Necrotizing encephalopathy infantile subacute of Leigh; LEIGH SYNDROME, NUCLEAR. Identifiers: Orphanet 506, MedGen C2931891, MONDO:0009723, OMIM 256000.

Allele frequency attached by ClinVar (database versions not stated): gnomAD 0.00002 and 0.00003; ExAC 0.00004; gnomAD exomes 0.00005 and 0.00006.
gnomAD v4.1: 92 of 1,613,796 alleles (0.0057%); highest among the groups gnomAD compares: East Asian, 0.02%; no homozygotes.

Submissions (7):

Labcorp Genetics (formerly Invitae), Labcorp
Classification: Likely benign for Pheochromocytoma/paraganglioma syndrome 5; Mitochondrial complex II deficiency, nuclear type 1. Last evaluated: 2026-01-18. Review status: criteria provided, single submitter. Criteria: Invitae Variant Classification Sherloc (09022015). Collection method: clinical testing. Allele origin: germline.

Myriad Genetics, Inc.
Classification: Benign for Pheochromocytoma/paraganglioma syndrome 5. Last evaluated: 2025-03-11. Review status: criteria provided, single submitter. Criteria: Myriad Autosomal Dominant, Autosomal Recessive and X-Linked Classification Criteria (2023). Collection method: clinical testing. Allele origin: unknown.
Comment: This variant is considered benign. This variant is a silent/synonymous amino acid change and it is not expected to impact splicing.

Quest Diagnostics Nichols Institute San Juan Capistrano
Classification: Benign. Last evaluated: 2022-09-21. Review status: criteria provided, single submitter. Criteria: Quest Diagnostics criteria. Collection method: clinical testing. Allele origin: unknown.

Illumina Laboratory Services, Illumina
Classification: Uncertain significance for Leigh syndrome. Last evaluated: 2018-01-13. Review status: criteria provided, single submitter. Criteria: ICSL Variant Classification Criteria 13 December 2019. Collection method: clinical testing. Allele origin: germline.

Illumina Laboratory Services, Illumina
Classification: Likely benign for Hereditary Paraganglioma-Pheochromocytoma Syndromes. Last evaluated: 2018-01-13. Review status: criteria provided, single submitter. Criteria: ICSL Variant Classification Criteria 13 December 2019. Collection method: clinical testing. Allele origin: germline.
Comment: This variant was observed in the ICSL laboratory as part of a predisposition screen in an ostensibly healthy population. It had not been previously curated by ICSL or reported in the Human Gene Mutation Database (HGMD: prior to June 1st, 2018), and was therefore a candidate for classification through an automated scoring system. Utilizing variant allele frequency, disease prevalence and penetrance estimates, and inheritance mode, an automated score was calculated to assess if this variant is too frequent to cause the disease. Based on the score and internal cut-off values, a variant classified as likely benign is not then subjected to further curation. The score for this variant resulted in a classification of likely benign for this disease.

Illumina Laboratory Services, Illumina
Classification: Uncertain significance for Mitochondrial complex II deficiency, nuclear type 1. Last evaluated: 2018-01-13. Review status: criteria provided, single submitter. Criteria: ICSL Variant Classification Criteria 13 December 2019. Collection method: clinical testing. Allele origin: germline.

Ambry Genetics
Classification: Likely benign for Hereditary cancer-predisposing syndrome. Last evaluated: 2015-04-10. Review status: criteria provided, single submitter. Criteria: Ambry Variant Classification Scheme 2023. Collection method: clinical testing. Allele origin: germline.